The following is an entry in ClinVar:

NM_182961.4(SYNE1):c.24977-1986T>C

Gene: SYNE1 (spectrin repeat containing nuclear envelope protein 1; minus strand). Cytogenetic location: 6q25.2.
Variant type: single nucleotide variant.
Coding change: c.24977-1986T>C on transcript NM_182961.4 (MANE Select); 1986 bases into the intron before coding-DNA position 24977, T replaced by C.
Molecular consequence: intron variant.
Genome position (GRCh38, 1-based): chr6:152,145,751, A>G on the plus strand (T>C on the coding strand, the complement: SYNE1 is on the minus strand). VCF-style: chr6-152145751-A-G. GRCh37 (hg19) VCF-style: chr6-152466886-A-G.
Other names: c.24764-196T>C (NM_033071.5); c.1583-1986T>C (NM_001347701.2); c.1442-196T>C (NM_001347702.2).
Identifiers: ClinVar variation 670213 (VCV000670213.1), dbSNP rs2813488, ClinGen allele CA12308825.

ClinVar aggregate classification (germline): Benign (1 of 4 stars; one submission).

Allele frequency attached by ClinVar (database versions not stated): gnomAD exomes 0.58735; gnomAD 0.59224 and 0.59660; TOPMed 0.61168; 1000 Genomes Project 0.65954; 1000 Genomes Project 30x 0.66021.
gnomAD v4.1: 346,667 of 587,982 alleles (59%); highest among the groups gnomAD compares: East Asian, 71%; 103,458 homozygotes.

Submission:

GeneDx
Classification: Benign. Last evaluated: 2018-06-14. Review status: criteria provided, single submitter. Criteria: GeneDx Variant Classification (06012015). Collection method: clinical testing. Allele origin: germline. Affected: yes.
Comment: This variant is considered likely benign or benign based on one or more of the following criteria: it is a conservative change, it occurs at a poorly conserved position in the protein, it is predicted to be benign by multiple in silico algorithms, and/or has population frequency not consistent with disease.